The following is an entry in ClinVar:

NM_004104.5(FASN):c.4769-5C>G

Gene: FASN (fatty acid synthase; minus strand). Cytogenetic location: 17q25.3.
Variant type: single nucleotide variant.
Coding change: c.4769-5C>G on transcript NM_004104.5 (MANE Select); 5 bases into the intron before coding-DNA position 4769, C replaced by G.
Molecular consequence: intron variant.
Genome position (GRCh38, 1-based): chr17:82,084,389, G>C on the plus strand (C>G on the coding strand, the complement: FASN is on the minus strand). VCF-style: chr17-82084389-G-C. GRCh37 (hg19) VCF-style: chr17-80042265-G-C.
Identifiers: ClinVar variation 2703646 (VCV002703646.3), dbSNP rs758801110, ClinGen allele CA2697555259.

ClinVar aggregate classification (germline): Uncertain significance (1 of 4 stars; one submission).

Conditions:
Epileptic encephalopathy. Identifiers: MedGen C0543888, HP:0200134.

Submission:

Labcorp Genetics (formerly Invitae), Labcorp
Classification: Uncertain significance for Epileptic encephalopathy. Last evaluated: 2025-10-01. Review status: criteria provided, single submitter. Criteria: Invitae Variant Classification Sherloc (09022015). Collection method: clinical testing. Allele origin: germline.
Comment: This sequence change falls in intron 27 of the FASN gene. It does not directly change the encoded amino acid sequence of the FASN protein. This variant is not present in population databases (gnomAD no frequency). This variant has not been reported in the literature in individuals affected with FASN-related conditions. ClinVar contains an entry for this variant (Variation ID: 2703646). Algorithms developed to predict the effect of sequence changes on RNA splicing suggest that this variant may disrupt the consensus splice site. In summary, the available evidence is currently insufficient to determine the role of this variant in disease. Therefore, it has been classified as a Variant of Uncertain Significance.